The following is an entry in ClinVar:

NM_000083.3(CLCN1):c.829T>C (p.Cys277Arg)

Gene: CLCN1 (chloride voltage-gated channel 1; plus strand). Cytogenetic location: 7q34.
Variant type: single nucleotide variant.
Coding change: c.829T>C on transcript NM_000083.3 (MANE Select); coding-DNA position 829, T replaced by C.
Protein change: p.Cys277Arg; replaces cysteine 277 with arginine.
Molecular consequence: missense variant. On other transcripts: non-coding transcript variant (1).
Genome position (GRCh38, 1-based): chr7:143,324,468, T>C. VCF-style: chr7-143324468-T-C. GRCh37 (hg19) VCF-style: chr7-143021561-T-C.
Other names: short protein forms C277R.
Identifiers: ClinVar variation 1324084 (VCV001324084.12), dbSNP rs757109632, ClinGen allele CA4537130.
Genomic context (GRCh38, chr7:143,324,468, plus strand): 5'-TAGTAGCAGCCATACTACTACTCTGATATCCTGACGGTGGGCTGTGCTGTGGGAGTCGGC[T>C]GTTGTTTTGGGACACCACTTGGAGGCAAGTGATTGACCCCCTCCCCCATCAATCGGCTTG-3'
Protein context (NP_000074.3, residues 267-287): LTVGCAVGVG[Cys277Arg]CFGTPLGGVL

ClinVar aggregate classification (germline): Pathogenic/Likely pathogenic. Review status: criteria provided, multiple submitters, no conflicts (2 of 4 stars). 4 submissions from 4 submitters: Pathogenic (3); Likely pathogenic (1). Last evaluated 2026-01-17.

Conditions:
Congenital myotonia, autosomal recessive form. Also called: BECKER DISEASE; Becker Generalized Myotonia; myotonia congenita, autosomal recessive. Identifiers: Orphanet 614, MedGen C0751360, MONDO:0009715, OMIM 255700.
Congenital myotonia, autosomal dominant form (THD). Also called: THOMSEN DISEASE; Myotonia congenita autosomal dominant. Identifiers: Orphanet 614, MedGen C2936781, MONDO:0008055, OMIM 160800.

Allele frequency attached by ClinVar (database versions not stated): gnomAD exomes 0.00001 and 0.00002; ExAC 0.00002; gnomAD 0.00002; TOPMed 0.00003.
gnomAD v4.1: 6 of 1,613,896 alleles (0.00037%); highest among the groups gnomAD compares: African/African-American, 0.008%; no homozygotes.

Submissions (4):

Labcorp Genetics (formerly Invitae), Labcorp
Classification: Pathogenic for Congenital myotonia, autosomal recessive form; Congenital myotonia, autosomal dominant form. Last evaluated: 2026-01-17. Review status: criteria provided, single submitter. Criteria: Invitae Variant Classification Sherloc (09022015). Collection method: clinical testing. Allele origin: germline.
Comment: This sequence change replaces cysteine, which is neutral and slightly polar, with arginine, which is basic and polar, at codon 277 of the CLCN1 protein (p.Cys277Arg). This variant is present in population databases (rs757109632, gnomAD 0.03%). This missense change has been observed in individual(s) with autosomal recessive myotonia congenita (PMID: 22641783, 27118449; internal data). In at least one individual the data is consistent with being in trans (on the opposite chromosome) from a pathogenic variant. ClinVar contains an entry for this variant (Variation ID: 1324084). Invitae Evidence Modeling of protein sequence and biophysical properties (such as structural, functional, and spatial information, amino acid conservation, physicochemical variation, residue mobility, and thermodynamic stability) indicates that this missense variant is expected to disrupt CLCN1 protein function with a positive predictive value of 95%. Experimental studies have shown that this missense change affects CLCN1 function (PMID: 22641783). This variant disrupts the p.Cys277 amino acid residue in CLCN1. Other variant(s) that disrupt this residue have been observed in individuals with CLCN1-related conditions (PMID: 22641783), which suggests that this may be a clinically significant amino acid residue. For these reasons, this variant has been classified as Pathogenic.

Women's Health and Genetics/Laboratory Corporation of America, LabCorp
Classification: Pathogenic for Congenital myotonia, autosomal recessive form. Last evaluated: 2024-11-22. Review status: criteria provided, single submitter. Criteria: LabCorp Variant Classification Summary - May 2015. Collection method: clinical testing. Allele origin: germline.
Comment: Variant summary: CLCN1 c.829T>C (p.Cys277Arg) results in a non-conservative amino acid change in the encoded protein sequence. Five of five in-silico tools predict a damaging effect of the variant on protein function. The variant allele was found at a frequency of 1.6e-05 in 251480 control chromosomes. c.829T>C has been reported in the literature in homozygous and compound heterozygous individuals affected with Myotonia congenita (Weinberger_2012, Meng_2016, Suetterlin_2022, Invitae)). These data indicate that the variant is likely to be associated with disease. At least one publication reports experimental evidence evaluating an impact on protein function. The most pronounced variant effect results in significant reduction in macroscopic current amplitudes in either homodimeric or heterodimeric conditions (Weinberger_2012). The following publications have been ascertained in the context of this evaluation (PMID: 27118449, 34529042, 22641783). ClinVar contains an entry for this variant (Variation ID: 1324084). Based on the evidence outlined above, the variant was classified as pathogenic.

GeneDx
Classification: Pathogenic. Last evaluated: 2022-06-07. Review status: criteria provided, single submitter. Criteria: GeneDx Variant Classification Process June 2021. Collection method: clinical testing. Allele origin: germline. Affected: yes.
Comment: In silico analysis supports that this missense variant has a deleterious effect on protein structure/function; Published functional studies demonstrate a damaging effect on channel function (Weinberger et al., 2012); Not observed at significant frequency in large population cohorts (gnomAD); This variant is associated with the following publications: (PMID: 34790634, 22641783, 27118449)

Revvity Omics, Revvity
Classification: Likely pathogenic. Last evaluated: 2019-10-01. Review status: criteria provided, single submitter. Criteria: ACMG Guidelines, 2015. Collection method: clinical testing. Allele origin: germline.

Literature cited by the submitters: PubMed 22641783 (cited by Labcorp Genetics (formerly Invitae), Labcorp and Women's Health and Genetics/Laboratory Corporation of America, LabCorp); PubMed 27118449 (cited by Labcorp Genetics (formerly Invitae), Labcorp and Women's Health and Genetics/Laboratory Corporation of America, LabCorp); PubMed 34529042 (cited by Women's Health and Genetics/Laboratory Corporation of America, LabCorp).